The following is an entry in ClinVar:

ClinVar aggregate classification (germline): Uncertain significance (1 of 4 stars; one submission).

Submission:

GeneDx
Classification: Uncertain significance. Last evaluated: 2022-08-26. Review status: criteria provided, single submitter. Criteria: GeneDx Variant Classification Process June 2021. Collection method: clinical testing. Allele origin: germline. Affected: yes.
Comment: Not observed at significant frequency in large population cohorts (gnomAD); In silico analysis supports that this missense variant has a deleterious effect on protein structure/function; Has not been previously published as pathogenic or benign to our knowledge

NM_002941.4(ROBO1):c.767T>C (p.Leu256Pro)

Gene: ROBO1 (roundabout guidance receptor 1; minus strand). Cytogenetic location: 3p12.3.
Variant type: single nucleotide variant.
Coding change: c.767T>C on transcript NM_002941.4 (MANE Select); coding-DNA position 767, T replaced by C.
Protein change: p.Leu256Pro; replaces leucine 256 with proline.
Molecular consequence: missense variant.
Genome position (GRCh38, 1-based): chr3:78,717,774, A>G on the plus strand (T>C on the coding strand, the complement: ROBO1 is on the minus strand). VCF-style: chr3-78717774-A-G. GRCh37 (hg19) VCF-style: chr3-78766924-A-G.
Other names: c.650T>C, p.Leu217Pro (NM_001145844.1, NM_001145845.2, NM_133631.4); short protein forms L217P, L256P.
Identifiers: ClinVar variation 2430823 (VCV002430823.1), dbSNP rs2472639456, ClinGen allele CA353664931.
Genomic context (GRCh38, chr3:78,717,774, plus strand): 5'-GATAAGAGATCTATTTTTCAATGAGAAGATTAAATAAAATTACACTTACCTAAGACAGTC[A>G]GCTCGGCTACTTCACTCTCACGTTCCCCAACCATATTGGTACCAACACAAACATATTTGC-3'
Protein context (NP_002932.1, residues 246-266): VGERESEVAE[Leu256Pro]TVLERPSFVK